The following is an entry in ClinVar:

NM_001164665.2(KIAA1549):c.4364C>T (p.Ser1455Leu)

Gene: KIAA1549 (KIAA1549; minus strand). Cytogenetic location: 7q34.
Variant type: single nucleotide variant.
Coding change: c.4364C>T on transcript NM_001164665.2 (MANE Select); coding-DNA position 4364, C replaced by T.
Protein change: p.Ser1455Leu; replaces serine 1455 with leucine.
Molecular consequence: missense variant.
Genome position (GRCh38, 1-based): chr7:138,871,344, G>A on the plus strand (C>T on the coding strand, the complement: KIAA1549 is on the minus strand). VCF-style: chr7-138871344-G-A. GRCh37 (hg19) VCF-style: chr7-138556090-G-A.
Other names: c.4364C>T, p.Ser1455Leu (NM_020910.3); c.4364C>T (NM_001164665.1); short protein forms S1455L.
Identifiers: ClinVar variation 1491176 (VCV001491176.7), dbSNP rs368254955, ClinGen allele CA4505923.

ClinVar aggregate classification (germline): Uncertain significance. Review status: criteria provided, multiple submitters, no conflicts (2 of 4 stars). 2 submissions from 2 submitters: Uncertain significance (2). Last evaluated 2024-10-25.

Conditions:
Inborn genetic diseases. Identifiers: MedGen C0950123, MeSH D030342.

Allele frequency attached by ClinVar (database versions not stated): gnomAD 0.00001; gnomAD exomes 0.00001 and 0.00003; ExAC 0.00003; TOPMed 0.00003; ESP Exome Variant Server 0.00008.
gnomAD v4.1: 23 of 1,557,154 alleles (0.0015%); highest among the groups gnomAD compares: Admixed American, 0.014%; no homozygotes.

Submissions (2):

Ambry Genetics
Classification: Uncertain significance for Inborn genetic diseases. Last evaluated: 2024-10-25. Review status: criteria provided, single submitter. Criteria: Ambry Variant Classification Scheme 2023. Collection method: clinical testing. Allele origin: germline.

Labcorp Genetics (formerly Invitae), Labcorp
Classification: Uncertain significance. Last evaluated: 2022-10-17. Review status: criteria provided, single submitter. Criteria: Invitae Variant Classification Sherloc (09022015). Collection method: clinical testing. Allele origin: germline.
Comment: In summary, the available evidence is currently insufficient to determine the role of this variant in disease. Therefore, it has been classified as a Variant of Uncertain Significance. Algorithms developed to predict the effect of missense changes on protein structure and function (SIFT, PolyPhen-2, Align-GVGD) all suggest that this variant is likely to be disruptive. ClinVar contains an entry for this variant (Variation ID: 1491176). This variant has not been reported in the literature in individuals affected with KIAA1549-related conditions. This variant is present in population databases (rs368254955, gnomAD 0.02%). This sequence change replaces serine, which is neutral and polar, with leucine, which is neutral and non-polar, at codon 1455 of the KIAA1549 protein (p.Ser1455Leu).